The following is an entry in ClinVar:

NM_133433.4(NIPBL):c.7068A>G (p.Lys2356=)

Gene: NIPBL (NIPBL cohesin loading factor; plus strand). Cytogenetic location: 5p13.2.
Variant type: single nucleotide variant.
Coding change: c.7068A>G on transcript NM_133433.4 (MANE Select); coding-DNA position 7068, A replaced by G.
Protein change: p.Lys2356=; no amino-acid change (lysine 2356 retained).
Molecular consequence: synonymous variant.
Genome position (GRCh38, 1-based): chr5:37,052,371, A>G. VCF-style: chr5-37052371-A-G. GRCh37 (hg19) VCF-style: chr5-37052473-A-G.
Other names: c.7068A>G, p.Lys2356= (NM_015384.5).
Identifiers: ClinVar variation 2430169 (VCV002430169.3), dbSNP rs1424732133, ClinGen allele CA443911252.

ClinVar aggregate classification (germline): Conflicting classifications of pathogenicity. Review status: criteria provided, conflicting classifications (1 of 4 stars). 2 submissions from 2 submitters: Uncertain significance (1); Likely benign (1). Last evaluated 2024-09-14.

Conditions:
Cornelia de Lange syndrome 1 (CDLS1). Also called: Brachmann de Lange syndrome; TYPUS DEGENERATIVUS AMSTELODAMENSIS; NIPBL-Related Cornelia de Lange Syndrome. Identifiers: Orphanet 199, MedGen C4551851, MONDO:0007387, OMIM 122470.

Allele frequency attached by ClinVar (database versions not stated): gnomAD 0.00001; gnomAD exomes 0.00001.
gnomAD v4.1: 14 of 1,613,536 alleles (0.00087%); highest among the groups gnomAD compares: South Asian, 0.014%; no homozygotes.

Submissions (2):

Labcorp Genetics (formerly Invitae), Labcorp
Classification: Likely benign for Cornelia de Lange syndrome 1. Last evaluated: 2024-09-14. Review status: criteria provided, single submitter. Criteria: Invitae Variant Classification Sherloc (09022015). Collection method: clinical testing. Allele origin: germline.

Department of Human Genetics, Hannover Medical School
Classification: Uncertain significance for Cornelia de Lange syndrome 1. Last evaluated: 2023-02-22. Review status: criteria provided, single submitter. Criteria: ACMG Guidelines, 2015. Collection method: clinical testing. Allele origin: germline. Affected: yes.
Comment: This variant does not change the protein sequence (samesense). An in silico analysis of the variant showed no evidence of a change in the splicing pattern. The variant is currently not known in the ClinVar and LOVD variant databases or in the literature. In the population database gnomAD, a general allele frequency of 0.0004% is reported for this variant (gnomAD; ALL). Too few data are currently available for a conclusive assessment regarding clinical relevance.